The following is an entry in ClinVar:

ClinVar aggregate classification (germline): Uncertain significance (1 of 4 stars; one submission).

Conditions:
Dilated cardiomyopathy 1G (CMD1G). Identifiers: Orphanet 154, MedGen C1858763, MONDO:0011400, OMIM 604145.
Autosomal recessive limb-girdle muscular dystrophy type 2J (LGMDR10). Also called: MUSCULAR DYSTROPHY, LIMB-GIRDLE, AUTOSOMAL RECESSIVE 10; Limb-girdle muscular dystrophy, type 2J. Identifiers: Orphanet 140922, MedGen C1837342, MONDO:0012127, OMIM 608807.

Submission:

Labcorp Genetics (formerly Invitae), Labcorp
Classification: Uncertain significance for Dilated cardiomyopathy 1G; Autosomal recessive limb-girdle muscular dystrophy type 2J. Last evaluated: 2022-03-27. Review status: criteria provided, single submitter. Criteria: Invitae Variant Classification Sherloc (09022015). Collection method: clinical testing. Allele origin: germline.
Comment: This variant is a gross deletion of the genomic region encompassing exon(s) 2 of the TTN gene, which includes the initiator codon. This deletion extends beyond the assayed region for this gene and therefore may encompass additional genes. While this is not anticipated to result in nonsense mediated decay, it is expected to create a truncated TTN protein. This variant has not been reported in the literature in individuals affected with TTN-related conditions. This variant is located in the Z band of TTN (PMID: 25589632). Variants in this region may be clinically relevant, but have not been definitively shown to cause cardiomyopathy or neuromuscular disease (PMID: 27493940, 32778822). In summary, the available evidence is currently insufficient to determine the role of this variant in disease. Therefore, it has been classified as a Variant of Uncertain Significance.

Literature cited by the submitters: PubMed 25589632; PubMed 27493940; PubMed 32778822.

NC_000002.11:g.(?_179669259)_(179669369_?)del

Gene: TTN (titin; minus strand). Cytogenetic location: 2q31.2.
Variant type: Deletion.
Identifiers: ClinVar variation 2424052 (VCV002424052.5).